The following is an entry in ClinVar:

ClinVar aggregate classification (germline): Pathogenic. Review status: criteria provided, multiple submitters, no conflicts (2 of 4 stars). 3 submissions from 3 submitters: Pathogenic (2). 1 of the submissions does not count toward it. Last evaluated 2024-11-04.

Conditions:
Immunodeficiency 19 (IMD19). Also called: IMMUNODEFICIENCY 19, SEVERE COMBINED; SEVERE COMBINED IMMUNODEFICIENCY, T CELL-NEGATIVE, B CELL-POSITIVE, NK CELL-POSITIVE; SCID, T CELL-NEGATIVE, B CELL-POSITIVE, NK CELL-POSITIVE; CD3-DELTA DEFICIENCY. Identifiers: MedGen C3810147, MONDO:0014280, OMIM 615617.

Allele frequency attached by ClinVar (database versions not stated): gnomAD exomes below 0.00001 and 0.00001; TOPMed below 0.00001; ExAC 0.00001; gnomAD 0.00001.
gnomAD v4.1: 8 of 1,613,902 alleles (0.0005%); highest among the groups gnomAD compares: Admixed American, 0.0033%; no homozygotes.

Submissions (3):

Labcorp Genetics (formerly Invitae), Labcorp
Classification: Pathogenic for Immunodeficiency 19. Last evaluated: 2024-11-04. Review status: criteria provided, single submitter. Criteria: Invitae Variant Classification Sherloc (09022015). Collection method: clinical testing. Allele origin: germline.
Comment: This sequence change creates a premature translational stop signal (p.Cys93*) in the CD3D gene. It is expected to result in an absent or disrupted protein product. Loss-of-function variants in CD3D are known to be pathogenic (PMID: 14602880, 15546002). This variant is present in population databases (rs111033581, gnomAD 0.003%). This premature translational stop signal has been observed in individual(s) with severe combined immunodeficiency (PMID: 15546002). ClinVar contains an entry for this variant (Variation ID: 12748). For these reasons, this variant has been classified as Pathogenic.

Laboratorio de Genetica e Diagnostico Molecular, Hospital Israelita Albert Einstein
Classification: Pathogenic for Immunodeficiency 19. Last evaluated: 2024-11-04. Review status: criteria provided, single submitter. Criteria: ACMG Guidelines, 2015. Collection method: clinical testing. Allele origin: germline. Affected: yes.
Comment: ACMG classification criteria: PVS1 very strong, PS4 supporting, PM2 supporting

OMIM
Classification: Pathogenic for IMMUNODEFICIENCY 19. Last evaluated: 2017-09-12. Review status: no assertion criteria provided. Collection method: literature only. Allele origin: germline. Not counted in ClinVar's aggregate classification.

Literature cited by the submitters: PubMed 14602880 (cited by Labcorp Genetics (formerly Invitae), Labcorp); PubMed 15546002 (cited by Labcorp Genetics (formerly Invitae), Labcorp); PubMed 10935641 (cited by OMIM).

NM_000732.6(CD3D):c.279C>A (p.Cys93Ter)

Gene: CD3D (CD3 delta subunit of T-cell receptor complex; minus strand). Cytogenetic location: 11q23.3.
Variant type: single nucleotide variant.
Coding change: c.279C>A on transcript NM_000732.6 (MANE Select); coding-DNA position 279, C replaced by A.
Protein change: p.Cys93Ter; replaces cysteine 93 with a stop codon.
Molecular consequence: nonsense. On other transcripts: intron variant (1).
Genome position (GRCh38, 1-based): chr11:118,339,902, G>T on the plus strand (C>A on the coding strand, the complement: CD3D is on the minus strand). VCF-style: chr11-118339902-G-T. GRCh37 (hg19) VCF-style: chr11-118210617-G-T.
Other names: c.275-408C>A (NM_001040651.2); short protein forms C93*.
Identifiers: ClinVar variation 12748 (VCV000012748.6), dbSNP rs111033581, ClinGen allele CA149743.